The following is an entry in ClinVar:

ClinVar aggregate classification (germline): Uncertain significance (1 of 4 stars; one submission).

Conditions:
Tuberous sclerosis 2 (TSC2). Identifiers: Orphanet 805, MedGen C1860707, MONDO:0013199, OMIM 613254.

Submission:

Labcorp Genetics (formerly Invitae), Labcorp
Classification: Uncertain significance for Tuberous sclerosis 2. Last evaluated: 2019-06-16. Review status: criteria provided, single submitter. Criteria: Invitae Variant Classification Sherloc (09022015). Collection method: clinical testing. Allele origin: germline.
Comment: In summary, the available evidence is currently insufficient to determine the role of this variant in disease. Therefore, it has been classified as a Variant of Uncertain Significance. Algorithms developed to predict the effect of missense changes on protein structure and function (SIFT, PolyPhen-2, Align-GVGD) all suggest that this variant is likely to be disruptive, but these predictions have not been confirmed by published functional studies and their clinical significance is uncertain. This variant has not been reported in the literature in individuals with TSC2-related conditions. This variant is not present in population databases (ExAC no frequency). This sequence change replaces valine with glycine at codon 184 of the TSC2 protein (p.Val184Gly). The valine residue is highly conserved and there is a moderate physicochemical difference between valine and glycine.

NM_000548.5(TSC2):c.551T>G (p.Val184Gly)

Gene: TSC2 (TSC complex subunit 2; plus strand). Cytogenetic location: 16p13.3.
Variant type: single nucleotide variant.
Coding change: c.551T>G on transcript NM_000548.5 (MANE Select); coding-DNA position 551, T replaced by G.
Protein change: p.Val184Gly; replaces valine 184 with glycine.
Molecular consequence: missense variant. On other transcripts: intron variant (1).
Genome position (GRCh38, 1-based): chr16:2,055,471, T>G. VCF-style: chr16-2055471-T-G. GRCh37 (hg19) VCF-style: chr16-2105472-T-G.
Other names: c.551T>G, p.Val184Gly (NM_001077183.3, NM_001114382.3, NM_001363528.2 and 3 more transcripts); c.440T>G, p.Val147Gly (NM_001318827.2); c.404T>G, p.Val135Gly (NM_001318829.2); c.584T>G, p.Val195Gly (NM_001318832.2); c.-1-725T>G (NM_001318831.2); short protein forms V195G, V147G, V184G, V135G.
Identifiers: ClinVar variation 938837 (VCV000938837.9), dbSNP rs2085667006, ClinGen allele CA394309512.